The following is an entry in ClinVar:

ClinVar aggregate classification (germline): Uncertain significance. Review status: criteria provided, single submitter (1 of 4 stars). 2 submissions from 2 submitters: Uncertain significance (1). 1 of the submissions does not count toward it. Last evaluated 2025-06-03.

Conditions:
EPHA2-related disorder. Also called: EPHA2-related condition.
Inborn genetic diseases. Identifiers: MedGen C0950123, MeSH D030342.

gnomAD v4.1: 26 of 1,613,684 alleles (0.0016%); highest among the groups gnomAD compares: African/African-American, 0.013%; no homozygotes.

Submissions (2):

Ambry Genetics
Classification: Uncertain significance for Inborn genetic diseases. Last evaluated: 2025-06-03. Review status: criteria provided, single submitter. Criteria: Ambry Variant Classification Scheme 2023. Collection method: clinical testing. Allele origin: germline.

PreventionGenetics, part of Exact Sciences
Classification: Uncertain significance for EPHA2-related condition. Last evaluated: 2024-08-07. Review status: no assertion criteria provided. Collection method: clinical testing. Allele origin: germline. Not counted in ClinVar's aggregate classification.
Comment: The EPHA2 c.703G>A variant is predicted to result in the amino acid substitution p.Val235Met. To our knowledge, this variant has not been reported in the literature. This variant is reported in 0.020% of alleles in individuals of African descent in gnomAD. At this time, the clinical significance of this variant is uncertain due to the absence of conclusive functional and genetic evidence.

NM_004431.5(EPHA2):c.703G>A (p.Val235Met)

Gene: EPHA2 (EPH receptor A2; minus strand). Cytogenetic location: 1p36.13.
Variant type: single nucleotide variant.
Coding change: c.703G>A on transcript NM_004431.5 (MANE Select); coding-DNA position 703, G replaced by A.
Protein change: p.Val235Met; replaces valine 235 with methionine.
Molecular consequence: missense variant.
Genome position (GRCh38, 1-based): chr1:16,148,498, C>T on the plus strand (G>A on the coding strand, the complement: EPHA2 is on the minus strand). VCF-style: chr1-16148498-C-T. GRCh37 (hg19) VCF-style: chr1-16474993-C-T.
Other names: c.541G>A, p.Val181Met (NM_001329090.2); c.703G>A (NM_004431.3); short protein forms V181M, V235M.
Identifiers: ClinVar variation 3350435 (VCV003350435.2).